The following is an entry in ClinVar:

NM_001110556.2(FLNA):c.4093A>G (p.Ile1365Val)

Gene: FLNA (filamin A; minus strand). Cytogenetic location: Xq28.
Variant type: single nucleotide variant.
Coding change: c.4093A>G on transcript NM_001110556.2 (MANE Select); coding-DNA position 4093, A replaced by G.
Protein change: p.Ile1365Val; replaces isoleucine 1365 with valine.
Molecular consequence: missense variant.
Genome position (GRCh38, 1-based): chrX:154,359,533, T>C on the plus strand (A>G on the coding strand, the complement: FLNA is on the minus strand). VCF-style: chrX-154359533-T-C. GRCh37 (hg19) VCF-style: chrX-153587901-T-C.
Other names: c.4093A>G (NM_001456.3, NM_001110556.1); c.4093A>G, p.Ile1365Val (NM_001456.4); short protein forms I1365V.
Identifiers: ClinVar variation 1376281 (VCV001376281.8), dbSNP rs782815741, ClinGen allele CA337279606.
Genomic context (GRCh38, chrX:154,359,533, plus strand): 5'-GGCTCCCTTACCTGGTCTCCACAGTGAACTTGTTGGGCTTGTTGGTGGTGCCACTTTGGA[T>C]GCCTGGCCCGTGGACACGCACCCGGGAGGGGTCGCAGCCCTCGGTCACGGGCACCTGGAA-3'
Protein context (NP_001104026.1, residues 1355-1375): PSRVRVHGPG[Ile1365Val]QSGTTNKPNK

ClinVar aggregate classification (germline): Uncertain significance. Review status: criteria provided, multiple submitters, no conflicts (2 of 4 stars). 3 submissions from 3 submitters: Uncertain significance (3). Last evaluated 2026-05-14.

Conditions:
Melnick-Needles syndrome (MNS). Also called: Melnick-Needles Syndrome (FLNA-MNS); MELNICK-NEEDLES OSTEODYSPLASTY; OSTEODYSPLASTY OF MELNICK AND NEEDLES. Identifiers: Orphanet 2484, MedGen C0025237, MONDO:0010650, OMIM 309350.
Frontometaphyseal dysplasia (FMD1). Identifiers: Orphanet 1826, MedGen C0265293, MONDO:0015942.
Oto-palato-digital syndrome, type II (OPD2). Also called: Otopalatodigital Syndrome, Type II; Otopalatodigital Syndrome Type 2 (FLNA-OPD2); FACIOPALATOOSSEOUS SYNDROME; OPD II SYNDROME. Identifiers: Orphanet 669, Orphanet 90652, MedGen C1844696, MONDO:0010571, OMIM 304120.
Heterotopia, periventricular, X-linked dominant (PVNH1). Also called: X-linked periventricular heterotopia; PERIVENTRICULAR NODULAR HETEROTOPIA 4; HETEROTOPIA, PERIVENTRICULAR, 1; PERIVENTRICULAR NODULAR HETEROTOPIA 1. Identifiers: Orphanet 2149, Orphanet 82004, MedGen C1848213, MONDO:0010233, OMIM 300049.
Familial thoracic aortic aneurysm and aortic dissection (TAAD). Also called: Thoracic aortic aneurysms and dissections. Identifiers: Orphanet 91387, MedGen C4707243, MONDO:0019625.
FLNA-related disorder.

Allele frequency attached by ClinVar (database versions not stated): TOPMed below 0.00001; gnomAD exomes 0.00005.
gnomAD v4.1: 50 of 1,211,304 alleles (0.0041%); highest among the groups gnomAD compares: Non-Finnish European, 0.0056%; no homozygotes.

Submissions (3):

Ambry Genetics
Classification: Uncertain significance for Familial thoracic aortic aneurysm and aortic dissection. Last evaluated: 2026-05-14. Review status: criteria provided, single submitter. Criteria: Ambry Variant Classification Scheme 2023. Collection method: clinical testing. Allele origin: germline.
Comment: The p.I1365V variant (also known as c.4093A>G), located in coding exon 23 of the FLNA gene, results from an A to G substitution at nucleotide position 4093. The isoleucine at codon 1365 is replaced by valine, an amino acid with highly similar properties. This amino acid position is conserved. In addition, this alteration is predicted to be tolerated by in silico analysis. Based on the available evidence, the clinical significance of this variant remains unclear.

Labcorp Genetics (formerly Invitae), Labcorp
Classification: Uncertain significance for Oto-palato-digital syndrome, type II; Heterotopia, periventricular, X-linked dominant; Frontometaphyseal dysplasia; Melnick-Needles syndrome. Last evaluated: 2025-12-01. Review status: criteria provided, single submitter. Criteria: Invitae Variant Classification Sherloc (09022015). Collection method: clinical testing. Allele origin: germline.
Comment: This sequence change replaces isoleucine, which is neutral and non-polar, with valine, which is neutral and non-polar, at codon 1365 of the FLNA protein (p.Ile1365Val). This variant is not present in population databases (gnomAD no frequency). This variant has not been reported in the literature in individuals affected with FLNA-related conditions. ClinVar contains an entry for this variant (Variation ID: 1376281). Invitae Evidence Modeling of protein sequence and biophysical properties (such as structural, functional, and spatial information, amino acid conservation, physicochemical variation, residue mobility, and thermodynamic stability) indicates that this missense variant is not expected to disrupt FLNA protein function with a negative predictive value of 95%. In summary, the available evidence is currently insufficient to determine the role of this variant in disease. Therefore, it has been classified as a Variant of Uncertain Significance.

PreventionGenetics, part of Exact Sciences
Classification: Uncertain significance for FLNA-related condition. Last evaluated: 2025-05-23. Review status: criteria provided, single submitter. Criteria: ACMG Guidelines, 2015. Collection method: clinical testing. Allele origin: germline.
Comment: The FLNA c.4093A>G variant is predicted to result in the amino acid substitution p.Ile1365Val. To our knowledge, this variant has not been reported in the literature or in a large population database (gnomAD), indicating this variant is rare. At this time, the clinical significance of this variant is uncertain due to the absence of conclusive functional and genetic evidence.